The following is an entry in ClinVar:

NM_005228.5(EGFR):c.5G>T (p.Arg2Leu)

Gene: EGFR (epidermal growth factor receptor; plus strand). Cytogenetic location: 7p11.2.
Variant type: single nucleotide variant.
Coding change: c.5G>T on transcript NM_005228.5 (MANE Select); coding-DNA position 5, G replaced by T.
Protein change: p.Arg2Leu; replaces arginine 2 with leucine.
Molecular consequence: missense variant.
Genome position (GRCh38, 1-based): chr7:55,019,282, G>T. VCF-style: chr7-55019282-G-T. GRCh37 (hg19) VCF-style: chr7-55086975-G-T.
Other names: c.5G>T, p.Arg2Leu (NM_001346897.2, NM_001346898.2, NM_001346899.2 and 4 more transcripts); short protein forms R2L.
Identifiers: ClinVar variation 3649660 (VCV003649660.2).

ClinVar aggregate classification (germline): Uncertain significance (1 of 4 stars; one submission).

Conditions:
EGFR-related lung cancer (EGFR). Identifiers: MedGen CN130014.

Submission:

Labcorp Genetics (formerly Invitae), Labcorp
Classification: Uncertain significance for EGFR-related lung cancer. Last evaluated: 2025-02-10. Review status: criteria provided, single submitter. Criteria: Invitae Variant Classification Sherloc (09022015). Collection method: clinical testing. Allele origin: germline.
Comment: This sequence change replaces arginine, which is basic and polar, with leucine, which is neutral and non-polar, at codon 2 of the EGFR protein (p.Arg2Leu). This variant is not present in population databases (gnomAD no frequency). This variant has not been reported in the literature in individuals affected with EGFR-related conditions. An algorithm developed to predict the effect of missense changes on protein structure and function (PolyPhen-2) suggests that this variant is likely to be disruptive. In summary, the available evidence is currently insufficient to determine the role of this variant in disease. Therefore, it has been classified as a Variant of Uncertain Significance.